The following is an entry in ClinVar:

ClinVar aggregate classification (germline): Uncertain significance (1 of 4 stars; one submission).

Conditions:
Hereditary cancer-predisposing syndrome. Also called: Tumor predisposition; Hereditary neoplastic syndrome; Hereditary Cancer Syndrome; Neoplastic Syndromes, Hereditary. Identifiers: Orphanet 140162, MedGen C0027672, MeSH D009386, MONDO:0015356.

Submission:

Ambry Genetics
Classification: Uncertain significance for Hereditary cancer-predisposing syndrome. Last evaluated: 2025-05-19. Review status: criteria provided, single submitter. Criteria: Ambry Variant Classification Scheme 2023. Collection method: clinical testing. Allele origin: germline.
Comment: The p.H808P variant (also known as c.2423A>C), located in coding exon 21 of the POLE gene, results from an A to C substitution at nucleotide position 2423. The histidine at codon 808 is replaced by proline, an amino acid with similar properties. This amino acid position is conserved. In addition, this alteration is predicted to be deleterious by in silico analysis. Based on the available evidence, the clinical significance of this variant remains unclear.

NM_006231.4(POLE):c.2423A>C (p.His808Pro)

Gene: POLE (DNA polymerase epsilon, catalytic subunit; minus strand). Cytogenetic location: 12q24.33.
Variant type: single nucleotide variant.
Coding change: c.2423A>C on transcript NM_006231.4 (MANE Select); coding-DNA position 2423, A replaced by C.
Protein change: p.His808Pro; replaces histidine 808 with proline.
Molecular consequence: missense variant.
Genome position (GRCh38, 1-based): chr12:132,665,347, T>G on the plus strand (A>C on the coding strand, the complement: POLE is on the minus strand). VCF-style: chr12-132665347-T-G. GRCh37 (hg19) VCF-style: chr12-133241933-T-G.
Other names: short protein forms H808P.
Identifiers: ClinVar variation 3935770 (VCV003935770.1).
Genomic context (GRCh38, chr12:132,665,347, plus strand): 5'-CCCGGGCCCACCTACCCCTTGCGCATGACATAGCCATAGAAGGAGTTCAGGATGCACTTG[T>G]GGGCCAGCTGCAGCGAGTCATACAGCACCTCCATGTTCTTGCAGCGCTTCACCTCAGCCG-3'
Protein context (NP_006222.2, residues 798-818): EVLYDSLQLA[His808Pro]KCILNSFYGY